The following is an entry in ClinVar:

NC_000010.10:g.(?_14977442)_(14977583_?)del

Gene: DCLRE1C (DNA cross-link repair 1C; minus strand). Cytogenetic location: 10p13.
Variant type: Deletion.
Identifiers: ClinVar variation 3244866 (VCV003244866.1).

ClinVar aggregate classification (germline): Uncertain significance (1 of 4 stars; one submission).

Conditions:
Severe combined immunodeficiency due to DCLRE1C deficiency (RS-SCID). Also called: SCID, AUTOSOMAL RECESSIVE, T CELL-NEGATIVE, B CELL-NEGATIVE, NK CELL-POSITIVE, WITH SENSITIVITY TO IONIZING RADIATION. Identifiers: Orphanet 275, MedGen C1865371, MONDO:0011225, OMIM 602450.

Submission:

Labcorp Genetics (formerly Invitae), Labcorp
Classification: Uncertain significance for Athabaskan severe combined immunodeficiency. Last evaluated: 2023-12-20. Review status: criteria provided, single submitter. Criteria: Invitae Variant Classification Sherloc (09022015). Collection method: clinical testing. Allele origin: unknown.
Comment: This variant is a gross deletion of the genomic region encompassing exon(s) 6 of the DCLRE1C gene. This variant would be expected to be in-frame, preserving the integrity of the reading frame. This variant has not been reported in the literature in individuals affected with DCLRE1C-related conditions. This variant disrupts a region of the DCLRE1C protein in which other variant(s) (p.Asp136Asn) have been observed in individuals with DCLRE1C-related conditions (Invitae). This suggests that this is a clinically significant region of the protein, and that variants that disrupt it are likely to be disease-causing. In summary, the available evidence is currently insufficient to determine the role of this variant in disease. Therefore, it has been classified as a Variant of Uncertain Significance.